The following is an entry in ClinVar:

NM_001165963.4(SCN1A):c.5561dup (p.Leu1854fs)

Genes: SCN1A (sodium voltage-gated channel alpha subunit 1; minus strand), LOC102724058 (uncharacterized LOC102724058; plus strand). Cytogenetic location: 2q24.3.
Variant type: Duplication.
Coding change: c.5561dup on transcript NM_001165963.4 (MANE Select); coding-DNA position 5561, one base duplicated (T; older notation c.5561dupT).
Protein change: p.Leu1854fs; shifts the reading frame from leucine 1854.
Molecular consequence: frameshift variant. On other transcripts: non-coding transcript variant (1).
Genome position (GRCh38, 1-based): chr2:165,991,714, A duplicated on the plus strand (T on the coding strand, the reverse complement: SCN1A is on the minus strand); the first of 3 consecutive A bases (chr2:165,991,714-165,991,716); duplicating any one gives the same sequence. VCF-style (leftmost placement, unchanged base first): chr2-165991713-C-CA. GRCh37 (hg19) VCF-style: chr2-166848223-C-CA.
Other names: c.5477dup, p.Leu1826fs (NM_001165964.3, NM_001353957.2, NM_001353958.2); c.5561dup, p.Leu1854fs (NM_001202435.3, NM_001353948.2); c.5528dup, p.Leu1843fs (NM_001353949.2, NM_001353950.2, NM_001353951.2 and 2 more transcripts); c.5525dup, p.Leu1842fs (NM_001353954.2, NM_001353955.2); c.5474dup, p.Leu1825fs (NM_001353960.2); c.3119dup, p.Leu1040fs (NM_001353961.2); short protein forms L1040fs, L1825fs, L1826fs, L1842fs, L1843fs, L1854fs.
Identifiers: ClinVar variation 1076519 (VCV001076519.10), dbSNP rs2105426198, ClinGen allele CA2499215166.

ClinVar aggregate classification (germline): Pathogenic (1 of 4 stars; one submission).

Conditions:
Early-infantile DEE. Also called: Ohtahara syndrome; Early infantile epileptic encephalopathy with suppression bursts; Early infantile epileptic encephalopathy. Identifiers: Orphanet 1934, MedGen C0393706, MONDO:0800491.

Submission:

Labcorp Genetics (formerly Invitae), Labcorp
Classification: Pathogenic for Early-infantile DEE. Last evaluated: 2020-01-23. Review status: criteria provided, single submitter. Criteria: Invitae Variant Classification Sherloc (09022015). Collection method: clinical testing. Allele origin: germline.
Comment: This variant has not been reported in the literature in individuals with SCN1A-related conditions. This variant disrupts the C-terminus of the SCN1A protein. Other variant(s) that disrupt this region (p.Arg1912*) have been determined to be pathogenic (PMID: 14738421, 23195492, 20522430, Invitae). This suggests that variants that disrupt this region of the protein are likely to be causative of disease. For these reasons, this variant has been classified as Pathogenic. This variant is not present in population databases (ExAC no frequency). This sequence change results in a premature translational stop signal in the SCN1A gene (p.Leu1854Phefs*7). While this is not anticipated to result in nonsense mediated decay, it is expected to disrupt the last 156 amino acids of the SCN1A protein.

Literature cited by the submitters: PubMed 14738421; PubMed 23195492; PubMed 20522430.